The following is an entry in ClinVar:

ClinVar aggregate classification (germline): Uncertain significance (1 of 4 stars; one submission).

Allele frequency attached by ClinVar (database versions not stated): gnomAD 0.00001; gnomAD exomes 0.00001; TOPMed 0.00001; ExAC 0.00002.
gnomAD v4.1: 5 of 1,614,042 alleles (0.00031%); highest among the groups gnomAD compares: Admixed American, 0.0083%; no homozygotes.

Submission:

Labcorp Genetics (formerly Invitae), Labcorp
Classification: Uncertain significance. Last evaluated: 2022-05-04. Review status: criteria provided, single submitter. Criteria: Invitae Variant Classification Sherloc (09022015). Collection method: clinical testing. Allele origin: germline.
Comment: In summary, the available evidence is currently insufficient to determine the role of this variant in disease. Therefore, it has been classified as a Variant of Uncertain Significance. This sequence change replaces serine, which is neutral and polar, with arginine, which is basic and polar, at codon 365 of the CUL7 protein (p.Ser365Arg). This variant is present in population databases (rs759702629, gnomAD 0.009%). This variant has not been reported in the literature in individuals affected with CUL7-related conditions. ClinVar contains an entry for this variant (Variation ID: 999261). Algorithms developed to predict the effect of missense changes on protein structure and function are either unavailable or do not agree on the potential impact of this missense change (SIFT: "Deleterious"; PolyPhen-2: "Probably Damaging"; Align-GVGD: "Class C0").

NM_014780.5(CUL7):c.1093A>C (p.Ser365Arg)

Gene: CUL7 (cullin 7; minus strand). Cytogenetic location: 6p21.1.
Variant type: single nucleotide variant.
Coding change: c.1093A>C on transcript NM_014780.5 (MANE Select); coding-DNA position 1093, A replaced by C.
Protein change: p.Ser365Arg; replaces serine 365 with arginine.
Molecular consequence: missense variant.
Genome position (GRCh38, 1-based): chr6:43,051,108, T>G on the plus strand (A>C on the coding strand, the complement: CUL7 is on the minus strand). VCF-style: chr6-43051108-T-G. GRCh37 (hg19) VCF-style: chr6-43018846-T-G.
Other names: c.1189A>C, p.Ser397Arg (NM_001168370.2, NM_001374872.1); c.1093A>C, p.Ser365Arg (NM_001374873.1, NM_001374874.1); short protein forms S365R, S397R.
Identifiers: ClinVar variation 999261 (VCV000999261.8), dbSNP rs759702629, ClinGen allele CA3814237.